The following is an entry in ClinVar:

ClinVar aggregate classification (germline): Conflicting classifications of pathogenicity. Review status: criteria provided, conflicting classifications (1 of 4 stars). 3 submissions from 3 submitters: Uncertain significance (1); Benign (1). 1 of the submissions does not count toward it. Last evaluated 2024-10-25.

Conditions:
Kabuki syndrome. Also called: NIIKAWA-KUROKI SYNDROME; Kabuki make-up syndrome. Identifiers: Orphanet 2322, MedGen C0796004, MONDO:0016512.
KMT2D-related disorder. Also called: KMT2D-Related Disorders.

Allele frequency attached by ClinVar (database versions not stated): gnomAD exomes below 0.00001.
gnomAD v4.1: 1 of 1,613,056 alleles (0.000062%); highest among the groups gnomAD compares: Admixed American, 0.0017%; no homozygotes.

Submissions (3):

Dasa
Classification: Uncertain significance. Last evaluated: 2024-10-25. Review status: criteria provided, single submitter. Criteria: DASA Assertion Criteria. Collection method: clinical testing. Allele origin: germline.
Comment: NM_003482.4(KMT2D):c.2849C>T (p.Ala950Val) is a missense variant that results in the substitution of alanine with valine. This variant is rare in population databases. Computational prediction algorithms are consistent with a benign effect. The currently available literature and clinical evidence are not sufficient to establish a definitive association between this variant and the reported condition. Therefore, this variant is classified as a variant of uncertain significance.

Labcorp Genetics (formerly Invitae), Labcorp
Classification: Benign for Kabuki syndrome. Last evaluated: 2024-07-31. Review status: criteria provided, single submitter. Criteria: Invitae Variant Classification Sherloc (09022015). Collection method: clinical testing. Allele origin: germline.

PreventionGenetics, part of Exact Sciences
Classification: Uncertain significance for KMT2D-related condition. Last evaluated: 2023-12-05. Review status: no assertion criteria provided. Collection method: clinical testing. Allele origin: germline. Not counted in ClinVar's aggregate classification.
Comment: The KMT2D c.2849C>T variant is predicted to result in the amino acid substitution p.Ala950Val. To our knowledge, this variant has not been reported in the literature. This variant is reported in 0.0029% of alleles in individuals of Latino descent in gnomAD. At this time, the clinical significance of this variant is uncertain due to the absence of conclusive functional and genetic evidence.

NM_003482.4(KMT2D):c.2849C>T (p.Ala950Val)

Gene: KMT2D (lysine methyltransferase 2D; minus strand). Cytogenetic location: 12q13.12.
Variant type: single nucleotide variant.
Coding change: c.2849C>T on transcript NM_003482.4 (MANE Select); coding-DNA position 2849, C replaced by T.
Protein change: p.Ala950Val; replaces alanine 950 with valine.
Molecular consequence: missense variant.
Genome position (GRCh38, 1-based): chr12:49,050,739, G>A on the plus strand (C>T on the coding strand, the complement: KMT2D is on the minus strand). VCF-style: chr12-49050739-G-A. GRCh37 (hg19) VCF-style: chr12-49444522-G-A.
Other names: short protein forms A950V.
Identifiers: ClinVar variation 3043456 (VCV003043456.6), dbSNP rs1407542153, ClinGen allele CA384660920.